The following is an entry in ClinVar:

NC_000017.10:g.(?_11827111)_(11837408_?)dup

Gene: DNAH9 (dynein axonemal heavy chain 9; plus strand). Cytogenetic location: 17p12.
Variant type: Duplication.
Identifiers: ClinVar variation 3243148 (VCV003243148.1).

ClinVar aggregate classification (germline): Likely pathogenic (1 of 4 stars; one submission).

Submission:

Labcorp Genetics (formerly Invitae), Labcorp
Classification: Likely pathogenic. Last evaluated: 2023-08-16. Review status: criteria provided, single submitter. Criteria: Invitae Variant Classification Sherloc (09022015). Collection method: clinical testing. Allele origin: unknown.
Comment: This variant results in a copy number gain of the genomic region encompassing exon(s) 62-65 of the DNAH9 gene. While the exact position of this variant cannot be determined from the data, sub-genic copy number gains are generally in tandem (PMID: 25640679). This variant is predicted to be out-of-frame, and may result in an absent or disrupted protein product. Loss-of-function variants in DNAH9 are known to be pathogenic (PMID: 30471718). This variant has not been reported in the literature in individuals affected with DNAH9-related conditions. In summary, the currently available evidence indicates that the variant is pathogenic, but additional data are needed to prove that conclusively. Therefore, this variant has been classified as Likely Pathogenic.

Literature cited by the submitters: PubMed 25640679; PubMed 30471718.